The following is an entry in ClinVar:

NM_001113378.2(FANCI):c.754G>A (p.Glu252Lys)

Gene: FANCI (FA complementation group I; plus strand). Cytogenetic location: 15q26.1.
Variant type: single nucleotide variant.
Coding change: c.754G>A on transcript NM_001113378.2 (MANE Select); coding-DNA position 754, G replaced by A.
Protein change: p.Glu252Lys; replaces glutamic acid 252 with lysine.
Molecular consequence: missense variant.
Genome position (GRCh38, 1-based): chr15:89,264,606, G>A. VCF-style: chr15-89264606-G-A. GRCh37 (hg19) VCF-style: chr15-89807837-G-A.
Other names: c.475G>A, p.Glu159Lys (NM_001376910.1); c.754G>A, p.Glu252Lys (NM_001376911.1, NM_018193.3); short protein forms E159K, E252K.
Identifiers: ClinVar variation 1436945 (VCV001436945.4), dbSNP rs776911782, ClinGen allele CA7722742.
Genomic context (GRCh38, chr15:89,264,606, plus strand): 5'-GGAATCATAGCCTTCTTCAGTGCACTAGATAAGCAGCACAATGAGGAACAGAGTGGTGAC[G>A]AGTGAGTAATATAGTGTAGAAATAAAGATCATTTTTACAAATTCATCTTCTCATTGTGTA-3'
Protein context (NP_001106849.1, residues 242-262): KQHNEEQSGD[Glu252Lys]LLDVVTVPSG

ClinVar aggregate classification (germline): Uncertain significance. Review status: criteria provided, multiple submitters, no conflicts (2 of 4 stars). 2 submissions from 2 submitters: Uncertain significance (2). Last evaluated 2024-02-19.

Conditions:
Fanconi anemia (FA). Also called: Fanconi's anemia. Identifiers: Orphanet 84, MedGen C0015625, MeSH D005199, MONDO:0019391.
Fanconi anemia complementation group I (FANCI). Also called: FANCI-Related Fanconi Anemia. Identifiers: Orphanet 84, MedGen C1836861, MONDO:0012186, OMIM 609053.

Allele frequency attached by ClinVar (database versions not stated): gnomAD exomes 0.00001 and 0.00007; TOPMed 0.00001; ExAC 0.00005.
gnomAD v4.1: 24 of 1,610,132 alleles (0.0015%); highest among the groups gnomAD compares: South Asian, 0.019%; no homozygotes.

Submissions (2):

Fulgent Genetics
Classification: Uncertain significance for Fanconi anemia complementation group I. Last evaluated: 2024-02-19. Review status: criteria provided, single submitter. Criteria: ACMG Guidelines, 2015. Collection method: clinical testing. Allele origin: germline.

Labcorp Genetics (formerly Invitae), Labcorp
Classification: Uncertain significance for Fanconi anemia. Last evaluated: 2022-09-01. Review status: criteria provided, single submitter. Criteria: Invitae Variant Classification Sherloc (09022015). Collection method: clinical testing. Allele origin: germline.
Comment: This sequence change replaces glutamic acid, which is acidic and polar, with lysine, which is basic and polar, at codon 252 of the FANCI protein (p.Glu252Lys). This variant is present in population databases (rs776911782, gnomAD 0.05%). This variant has not been reported in the literature in individuals affected with FANCI-related conditions. ClinVar contains an entry for this variant (Variation ID: 1436945). Algorithms developed to predict the effect of missense changes on protein structure and function output the following: SIFT: "Tolerated"; PolyPhen-2: "Benign"; Align-GVGD: "Class C0". The lysine amino acid residue is found in multiple mammalian species, which suggests that this missense change does not adversely affect protein function. In summary, the available evidence is currently insufficient to determine the role of this variant in disease. Therefore, it has been classified as a Variant of Uncertain Significance.